The following is an entry in ClinVar:

ClinVar aggregate classification (germline): Uncertain significance (1 of 4 stars; one submission).

Submission:

Labcorp Genetics (formerly Invitae), Labcorp
Classification: Uncertain significance. Last evaluated: 2024-08-21. Review status: criteria provided, single submitter. Criteria: Invitae Variant Classification Sherloc (09022015). Collection method: clinical testing. Allele origin: germline.
Comment: This sequence change creates a premature translational stop signal (p.Lys123*) in the CD151 gene. It is expected to result in an absent or disrupted protein product. However, the current clinical and genetic evidence is not sufficient to establish whether loss-of-function variants in CD151 cause disease. This variant is not present in population databases (gnomAD no frequency). This variant has not been reported in the literature in individuals affected with CD151-related conditions. In summary, the available evidence is currently insufficient to determine the role of this variant in disease. Therefore, it has been classified as a Variant of Uncertain Significance.

NM_004357.5(CD151):c.367A>T (p.Lys123Ter)

Gene: CD151 (CD151 molecule (Raph blood group); plus strand). Cytogenetic location: 11p15.5.
Variant type: single nucleotide variant.
Coding change: c.367A>T on transcript NM_004357.5 (MANE Select); coding-DNA position 367, A replaced by T.
Protein change: p.Lys123Ter; replaces lysine 123 with a stop codon.
Molecular consequence: nonsense.
Genome position (GRCh38, 1-based): chr11:837,265, A>T. VCF-style: chr11-837265-A-T. GRCh37 (hg19) VCF-style: chr11-837265-A-T.
Other names: c.367A>T, p.Lys123Ter (NM_001039490.2, NM_139029.2, NM_139030.4); short protein forms K123*.
Identifiers: ClinVar variation 3710587 (VCV003710587.2).